The following is an entry in ClinVar:

ClinVar aggregate classification (germline): Pathogenic (1 of 4 stars; one submission).

Conditions:
Hereditary nonpolyposis colorectal neoplasms. Identifiers: MedGen C0009405, MeSH D003123.

Submission:

Labcorp Genetics (formerly Invitae), Labcorp
Classification: Pathogenic for Hereditary nonpolyposis colon cancer. Last evaluated: 2018-03-10. Review status: criteria provided, single submitter. Criteria: Invitae Variant Classification Sherloc (09022015). Collection method: clinical testing. Allele origin: germline.
Comment: This variant is an out-of-frame deletion of the genomic region encompassing exon 2 of the PMS2 gene. This is expected to create a premature translational stop signal and result in an absent or disrupted protein product. A deletion of exon 2 has been reported in an individual affected with cecum cancer (PMID: 18602922). ClinVar contains an entry for this variant (Variation ID: 91342). Loss-of-function variants in PMS2 are known to be pathogenic (PMID: 21376568, 24362816). For these reasons, this variant has been classified as Pathogenic.

Literature cited by the submitters: PubMed 18602922.

NC_000007.14:g.(?_6005886)_(6006037_?)del

Gene: PMS2 (PMS1 homolog 2, mismatch repair system component; minus strand). Cytogenetic location: 7p22.1.
Variant type: Deletion.
Identifiers: ClinVar variation 526005 (VCV000526005.1).